The following is an entry in ClinVar:

ClinVar aggregate classification (germline): Likely pathogenic (1 of 4 stars; one submission).

Conditions:
Duchenne muscular dystrophy (DMD). Also called: Duchenne Muscular Dystrophy (DMD); MUSCULAR DYSTROPHY, PSEUDOHYPERTROPHIC PROGRESSIVE, DUCHENNE TYPE. Identifiers: Orphanet 98896, MedGen C0013264, MONDO:0010679, OMIM 310200.

Submission:

Labcorp Genetics (formerly Invitae), Labcorp
Classification: Likely pathogenic for Duchenne muscular dystrophy. Last evaluated: 2023-06-30. Review status: criteria provided, single submitter. Criteria: Invitae Variant Classification Sherloc (09022015). Collection method: clinical testing. Allele origin: germline.
Comment: This variant results in a copy number gain of the genomic region encompassing exon(s) 34-64 of the DMD gene. While the exact position of this variant cannot be determined from the data, sub-genic copy number gains are generally in tandem (PMID: 25640679). This variant is predicted to be out-of-frame, and may result in an absent or disrupted protein product. Loss-of-function variants in DMD are known to be pathogenic (PMID: 16770791, 25007885). In summary, the currently available evidence indicates that the variant is pathogenic, but additional data are needed to prove that conclusively. Therefore, this variant has been classified as Likely Pathogenic. This variant has not been reported in the literature in individuals affected with DMD-related conditions.

Literature cited by the submitters: PubMed 25640679; PubMed 16770791; PubMed 25007885.

NC_000023.10:g.(?_31241144)_(32398817_?)dup

Gene: DMD (dystrophin; minus strand). Cytogenetic location: Xp21.2-21.1.
Variant type: Duplication.
Identifiers: ClinVar variation 1511329 (VCV001511329.5).